The following is an entry in ClinVar:

NM_021927.3(GUF1):c.1132A>G (p.Lys378Glu)

Gene: GUF1 (GTP binding elongation factor GUF1; plus strand). Cytogenetic location: 4p12.
Variant type: single nucleotide variant.
Coding change: c.1132A>G on transcript NM_021927.3 (MANE Select); coding-DNA position 1132, A replaced by G.
Protein change: p.Lys378Glu; replaces lysine 378 with glutamic acid.
Molecular consequence: missense variant.
Genome position (GRCh38, 1-based): chr4:44,689,339, A>G. VCF-style: chr4-44689339-A-G. GRCh37 (hg19) VCF-style: chr4-44691356-A-G.
Other names: c.160A>G, p.Lys54Glu (NM_001345867.2, NM_001345869.2); c.1132A>G, p.Lys378Glu (NM_001345868.2); short protein forms K54E, K378E.
Identifiers: ClinVar variation 3690184 (VCV003690184.2).

ClinVar aggregate classification (germline): Uncertain significance (1 of 4 stars; one submission).

gnomAD v4.1: 1 of 1,610,852 alleles (0.000062%); highest among the groups gnomAD compares: African/African-American, 0.0013%; no homozygotes.

Submission:

Labcorp Genetics (formerly Invitae), Labcorp
Classification: Uncertain significance. Last evaluated: 2024-12-12. Review status: criteria provided, single submitter. Criteria: Invitae Variant Classification Sherloc (09022015). Collection method: clinical testing. Allele origin: germline.
Comment: This sequence change replaces lysine, which is basic and polar, with glutamic acid, which is acidic and polar, at codon 378 of the GUF1 protein (p.Lys378Glu). This variant is not present in population databases (gnomAD no frequency). This variant has not been reported in the literature in individuals affected with GUF1-related conditions. Invitae Evidence Modeling of protein sequence and biophysical properties (such as structural, functional, and spatial information, amino acid conservation, physicochemical variation, residue mobility, and thermodynamic stability) indicates that this missense variant is not expected to disrupt GUF1 protein function with a negative predictive value of 80%. In summary, the available evidence is currently insufficient to determine the role of this variant in disease. Therefore, it has been classified as a Variant of Uncertain Significance.